The following is an entry in ClinVar:

ClinVar aggregate classification (germline): Uncertain significance (1 of 4 stars; one submission).

Conditions:
Hereditary cancer-predisposing syndrome. Also called: Neoplastic Syndromes, Hereditary; Tumor predisposition; Hereditary neoplastic syndrome; Hereditary Cancer Syndrome. Identifiers: Orphanet 140162, MedGen C0027672, MeSH D009386, MONDO:0015356.

Submission:

Ambry Genetics
Classification: Uncertain significance for Hereditary cancer-predisposing syndrome. Last evaluated: 2026-07-07. Review status: criteria provided, single submitter. Criteria: Ambry Variant Classification Scheme 2023. Collection method: clinical testing. Allele origin: germline.
Comment: The p.A132D variant (also known as c.395C>A), located in coding exon 2 of the TMEM127 gene, results from a C to A substitution at nucleotide position 395. The alanine at codon 132 is replaced by aspartic acid, an amino acid with dissimilar properties. This amino acid position is conserved. In addition, this alteration is predicted to be deleterious by in silico analysis. Based on the available evidence, the clinical significance of this variant remains unclear.

NM_017849.4(TMEM127):c.395C>A (p.Ala132Asp)

Gene: TMEM127 (transmembrane protein 127; minus strand). Cytogenetic location: 2q11.2.
Variant type: single nucleotide variant.
Coding change: c.395C>A on transcript NM_017849.4 (MANE Select); coding-DNA position 395, C replaced by A.
Protein change: p.Ala132Asp; replaces alanine 132 with aspartic acid.
Molecular consequence: missense variant.
Genome position (GRCh38, 1-based): chr2:96,254,847, G>T on the plus strand (C>A on the coding strand, the complement: TMEM127 is on the minus strand). VCF-style: chr2-96254847-G-T. GRCh37 (hg19) VCF-style: chr2-96920585-G-T.
Other names: c.395C>A, p.Ala132Asp (NM_001193304.3); c.143C>A, p.Ala48Asp (NM_001407282.1, NM_001407283.1); short protein forms A48D, A132D.
Identifiers: ClinVar variation 5030921 (VCV005030921.1).